The following is an entry in ClinVar:

ClinVar aggregate classification (germline): Uncertain significance (1 of 4 stars; one submission).

gnomAD v4.1: 31 of 1,241,912 alleles (0.0025%); highest among the groups gnomAD compares: Non-Finnish European, 0.003%; no homozygotes.

Submission:

Labcorp Genetics (formerly Invitae), Labcorp
Classification: Uncertain significance. Last evaluated: 2024-03-15. Review status: criteria provided, single submitter. Criteria: Invitae Variant Classification Sherloc (09022015). Collection method: clinical testing. Allele origin: germline.
Comment: This sequence change replaces proline, which is neutral and non-polar, with glutamine, which is neutral and polar, at codon 58 of the FBXO11 protein (p.Pro58Gln). This variant is not present in population databases (gnomAD no frequency). This variant has not been reported in the literature in individuals affected with FBXO11-related conditions. ClinVar contains an entry for this variant (Variation ID: 1350358). Experimental studies and prediction algorithms are not available or were not evaluated, and the functional significance of this variant is currently unknown. In summary, the available evidence is currently insufficient to determine the role of this variant in disease. Therefore, it has been classified as a Variant of Uncertain Significance.

NM_001190274.2(FBXO11):c.173C>A (p.Pro58Gln)

Gene: FBXO11 (F-box protein 11; minus strand). Cytogenetic location: 2p16.3.
Variant type: single nucleotide variant.
Coding change: c.173C>A on transcript NM_001190274.2 (MANE Select); coding-DNA position 173, C replaced by A.
Protein change: p.Pro58Gln; replaces proline 58 with glutamine.
Molecular consequence: missense variant.
Genome position (GRCh38, 1-based): chr2:47,905,548, G>T on the plus strand (C>A on the coding strand, the complement: FBXO11 is on the minus strand). VCF-style: chr2-47905548-G-T. GRCh37 (hg19) VCF-style: chr2-48132687-G-T.
Other names: short protein forms P58Q.
Identifiers: ClinVar variation 1350358 (VCV001350358.8), dbSNP rs919267110, ClinGen allele CA346812580.